The following is an entry in ClinVar:

NM_020964.3(EPG5):c.1869T>C (p.Leu623=)

Gene: EPG5 (ectopic P-granules 5 autophagy tethering factor; minus strand). Cytogenetic location: 18q21.1.
Variant type: single nucleotide variant.
Coding change: c.1869T>C on transcript NM_020964.3 (MANE Select); coding-DNA position 1869, T replaced by C.
Protein change: p.Leu623=; no amino-acid change (leucine 623 retained).
Molecular consequence: synonymous variant.
Genome position (GRCh38, 1-based): chr18:45,943,235, A>G on the plus strand (T>C on the coding strand, the complement: EPG5 is on the minus strand). VCF-style: chr18-45943235-A-G. GRCh37 (hg19) VCF-style: chr18-43523201-A-G.
Other names: c.1869T>C (NM_020964.2).
Identifiers: ClinVar variation 1585590 (VCV001585590.11), dbSNP rs751209508, ClinGen allele CA8949586.

ClinVar aggregate classification (germline): Likely benign. Review status: criteria provided, multiple submitters, no conflicts (2 of 4 stars). 3 submissions from 3 submitters: Likely benign (3). Last evaluated 2025-11-30.

Conditions:
Vici syndrome (VICIS). Identifiers: Orphanet 1493, MedGen C1855772, MONDO:0009452, OMIM 242840.
EPG5-related disorder. Also called: EPG5-related condition. Identifiers: MedGen CN381528.

Allele frequency attached by ClinVar (database versions not stated): gnomAD 0.00004 and 0.00003; TOPMed 0.00004; gnomAD exomes 0.00006 and 0.00002; ExAC 0.00003.
gnomAD v4.1: 34 of 1,614,084 alleles (0.0021%); highest among the groups gnomAD compares: Admixed American, 0.018%; no homozygotes.

Submissions (3):

PreventionGenetics, part of Exact Sciences
Classification: Likely benign for EPG5-related condition. Last evaluated: 2025-11-30. Review status: criteria provided, single submitter. Criteria: ACMG Guidelines, 2015. Collection method: clinical testing. Allele origin: germline.
Comment: This variant is classified as likely benign based on ACMG/AMP sequence variant interpretation guidelines (Richards et al. 2015 PMID: 25741868, with internal and published modifications).

Labcorp Genetics (formerly Invitae), Labcorp
Classification: Likely benign for Vici syndrome. Last evaluated: 2025-10-26. Review status: criteria provided, single submitter. Criteria: Invitae Variant Classification Sherloc (09022015). Collection method: clinical testing. Allele origin: germline.

Blueprint Genetics
Classification: Likely benign. Last evaluated: 2024-03-26. Review status: criteria provided, single submitter. Criteria: ACMG Guidelines, 2015. Collection method: clinical testing. Allele origin: germline.